The following is an entry in ClinVar:

ClinVar aggregate classification (germline): Conflicting classifications of pathogenicity. Review status: criteria provided, conflicting classifications (1 of 4 stars). 7 submissions from 7 submitters: Uncertain significance (6); Benign (1). Last evaluated 2025-08-26.

Conditions:
MUTYH-related disorder. Also called: MUTYH-related condition; MUTYH-related disorders.
Hereditary cancer-predisposing syndrome. Also called: Hereditary Cancer Syndrome; Tumor predisposition; Hereditary neoplastic syndrome; Neoplastic Syndromes, Hereditary. Identifiers: Orphanet 140162, MedGen C0027672, MeSH D009386, MONDO:0015356.
Familial adenomatous polyposis 2. Also called: MUTYH-associated polyposis; MUTYH-related attenuated familial adenomatous polyposis; Adenomas, multiple colorectal; MUTYH Polyposis; COLORECTAL ADENOMATOUS POLYPOSIS, AUTOSOMAL RECESSIVE; ADENOMAS, MULTIPLE COLORECTAL, AUTOSOMAL RECESSIVE. Identifiers: Orphanet 220460, Orphanet 247798, MedGen C3272841, MONDO:0012041, OMIM 608456.

Allele frequency attached by ClinVar (database versions not stated): gnomAD exomes below 0.00001 and 0.00001; TOPMed below 0.00001; ExAC 0.00001.
gnomAD v4.1: 4 of 1,613,744 alleles (0.00025%); highest among the groups gnomAD compares: African/African-American, 0.004%; no homozygotes.

Submissions (7):

Ambry Genetics
Classification: Benign for Hereditary cancer-predisposing syndrome. Last evaluated: 2025-08-26. Review status: criteria provided, single submitter. Criteria: Ambry Variant Classification Scheme 2023. Collection method: clinical testing. Allele origin: germline.

Labcorp Genetics (formerly Invitae), Labcorp
Classification: Uncertain significance for Familial adenomatous polyposis 2. Last evaluated: 2025-01-24. Review status: criteria provided, single submitter. Criteria: Invitae Variant Classification Sherloc (09022015). Collection method: clinical testing. Allele origin: germline.
Comment: This sequence change replaces asparagine, which is neutral and polar, with serine, which is neutral and polar, at codon 357 of the MUTYH protein (p.Asn357Ser). This variant is present in population databases (rs754178539, gnomAD 0.01%). This missense change has been observed in individual(s) with breast cancer (PMID: 35264596). ClinVar contains an entry for this variant (Variation ID: 246011). An algorithm developed to predict the effect of missense changes on protein structure and function (PolyPhen-2) suggests that this variant¬†is likely to be tolerated. In summary, the available evidence is currently insufficient to determine the role of this variant in disease. Therefore, it has been classified as a Variant of Uncertain Significance.

All of Us Research Program, National Institutes of Health
Classification: Uncertain significance for Familial adenomatous polyposis 2. Last evaluated: 2024-01-03. Review status: criteria provided, single submitter. Criteria: ACMG Guidelines, 2015. Collection method: clinical testing. Allele origin: germline. Inheritance: Autosomal recessive inheritance. Observed: 3 variant alleles, 3 heterozygotes.
Comment: This missense variant replaces asparagine with serine at codon 357 of the MUTYH protein. Computational prediction suggests that this variant may not impact protein structure and function (internally defined REVEL score threshold <= 0.5, PMID: 27666373). To our knowledge, functional studies have not been reported for this variant. This variant has not been reported in individuals affected with MUTYH-related disorders in the literature. This variant has been identified in 2/248622 chromosomes in the general population by the Genome Aggregation Database (gnomAD). The available evidence is insufficient to determine the role of this variant in disease conclusively. Therefore, this variant is classified as a Variant of Uncertain Significance.

This study involves interpretation of variants in research participants for the purpose of population health screening. Participant phenotype was not available at the time of variant classification. Additional details can be found in publication PMID: 35346344, PMCID: PMC8962531

PreventionGenetics, part of Exact Sciences
Classification: Uncertain significance for MUTYH-related condition. Last evaluated: 2022-11-21. Review status: criteria provided, single submitter. Criteria: ACMG Guidelines, 2015. Collection method: clinical testing. Allele origin: germline.
Comment: The MUTYH c.1070A>G variant is predicted to result in the amino acid substitution p.Asn357Ser. To our knowledge, this variant has not been reported in the literature. This variant is reported in 0.013% of alleles in individuals of African descent in gnomAD and is interpreted as uncertain significance in ClinVar. At this time, the clinical significance of this variant is uncertain due to the absence of conclusive functional and genetic evidence.

Color Diagnostics, LLC DBA Color Health
Classification: Uncertain significance for Hereditary cancer-predisposing syndrome. Last evaluated: 2022-11-16. Review status: criteria provided, single submitter. Criteria: ACMG Guidelines, 2015. Collection method: clinical testing. Allele origin: germline.
Comment: This missense variant replaces asparagine with serine at codon 357 of the MUTYH protein. Computational prediction suggests that this variant may not impact protein structure and function (internally defined REVEL score threshold <= 0.5, PMID: 27666373). To our knowledge, functional studies have not been reported for this variant. This variant has not been reported in individuals affected with MUTYH-related disorders in the literature. This variant has been identified in 2/248622 chromosomes in the general population by the Genome Aggregation Database (gnomAD). The available evidence is insufficient to determine the role of this variant in disease conclusively. Therefore, this variant is classified as a Variant of Uncertain Significance.

GeneDx
Classification: Uncertain significance. Last evaluated: 2020-08-31. Review status: criteria provided, single submitter. Criteria: GeneDx Variant Classification Process June 2021. Collection method: clinical testing. Allele origin: germline. Affected: yes.
Comment: Not observed at a significant frequency in large population cohorts (Lek 2016); In silico analysis supports that this missense variant has a deleterious effect on protein structure/function; Has not been previously published as pathogenic or benign to our knowledge

Mendelics
Classification: Uncertain significance for MYH-associated polyposis. Last evaluated: 2018-07-02. Review status: criteria provided, single submitter. Criteria: Mendelics Assertion Criteria 2017. Collection method: clinical testing. Allele origin: unknown.

Literature cited by the submitters: PubMed 40738107 (cited by Ambry Genetics); PubMed 35264596 (cited by Labcorp Genetics (formerly Invitae), Labcorp).

NM_001048174.2(MUTYH):c.986A>G (p.Asn329Ser)

Gene: MUTYH (mutY DNA glycosylase; minus strand). Cytogenetic location: 1p34.1.
Variant type: single nucleotide variant.
Coding change: c.986A>G on transcript NM_001048174.2 (MANE Select); coding-DNA position 986, A replaced by G.
Protein change: p.Asn329Ser; replaces asparagine 329 with serine.
Molecular consequence: missense variant. On other transcripts: non-coding transcript variant (2).
Genome position (GRCh38, 1-based): chr1:45,331,777, T>C on the plus strand (A>G on the coding strand, the complement: MUTYH is on the minus strand). VCF-style: chr1-45331777-T-C. GRCh37 (hg19) VCF-style: chr1-45797449-T-C.
Other names: c.986A>G, p.Asn329Ser (NM_001048171.2, NM_001048173.2, NM_001293195.2); c.989A>G, p.Asn330Ser (NM_001048172.2); c.1070A>G, p.Asn357Ser (NM_001128425.2); c.1031A>G, p.Asn344Ser (NM_001293190.2); c.1019A>G, p.Asn340Ser (NM_001293191.2); c.710A>G, p.Asn237Ser (NM_001293192.2, NM_001293196.2); c.641A>G, p.Asn214Ser (NM_001350650.2, NM_001350651.2); c.1061A>G, p.Asn354Ser (NM_012222.3); short protein forms N357S, N330S, N214S, N344S, N354S, N237S, N329S, N340S.
Identifiers: ClinVar variation 246011 (VCV000246011.27), dbSNP rs754178539, ClinGen allele CA060255.